The following is an entry in ClinVar:

ClinVar aggregate classification (germline): Uncertain significance (1 of 4 stars; one submission).

Submission:

Mayo Clinic Laboratories, Mayo Clinic
Classification: Uncertain significance. Last evaluated: 2023-11-02. Review status: criteria provided, single submitter. Criteria: ACMG Guidelines, 2015. Collection method: clinical testing. Allele origin: germline. Observed: 1 variant allele.
Comment: PP3, PM2_moderate

NM_017739.4(POMGNT1):c.1026+5G>A

Genes: POMGNT1 (protein O-linked mannose N-acetylglucosaminyltransferase 1 (beta 1,2-); minus strand), TSPAN1 (tetraspanin 1; plus strand). Cytogenetic location: 1p34.1.
Variant type: single nucleotide variant.
Coding change: c.1026+5G>A on transcript NM_017739.4 (MANE Select); 5 bases into the intron after coding-DNA position 1026, G replaced by A.
Molecular consequence: intron variant.
Genome position (GRCh38, 1-based): chr1:46,193,559, C>T on the plus strand (G>A on the coding strand, the complement: POMGNT1 is on the minus strand). VCF-style: chr1-46193559-C-T. GRCh37 (hg19) VCF-style: chr1-46659231-C-T.
Other names: c.1026+5G>A (NM_001243766.2, NM_001438686.1, NM_001438688.1 and 3 more transcripts); c.960+5G>A (NM_001290129.3, NM_001438691.1, NM_001438692.1); c.597+5G>A (NM_001290130.2).
Identifiers: ClinVar variation 3379669 (VCV003379669.1).